The following is an entry in ClinVar:

ClinVar aggregate classification (germline): Likely benign (1 of 4 stars; one submission).

gnomAD v4.1: 2,352 of 1,613,402 alleles (0.15%); highest among the groups gnomAD compares: Non-Finnish European, 0.17%; 3 homozygotes.

Submission:

CeGaT Center for Human Genetics Tuebingen
Classification: Likely benign. Last evaluated: 2026-09-01. Review status: criteria provided, single submitter. Criteria: CeGaT Center For Human Genetics Tuebingen Variant Classification Criteria Version 2. Collection method: clinical testing. Allele origin: germline. Affected: yes. Observed: 4 variant alleles.
Comment: CAMSAP1: BP4, BP7

NM_015447.4(CAMSAP1):c.3534G>C (p.Arg1178=)

Gene: CAMSAP1 (calmodulin regulated spectrin associated protein 1; minus strand). Cytogenetic location: 9q34.3.
Variant type: single nucleotide variant.
Coding change: c.3534G>C on transcript NM_015447.4 (MANE Select); coding-DNA position 3534, G replaced by C.
Protein change: p.Arg1178=; no amino-acid change (arginine 1178 retained).
Molecular consequence: synonymous variant.
Genome position (GRCh38, 1-based): chr9:135,821,127, C>G on the plus strand (G>C on the coding strand, the complement: CAMSAP1 is on the minus strand). VCF-style: chr9-135821127-C-G. GRCh37 (hg19) VCF-style: chr9-138712973-C-G.
Other names: c.2700G>C, p.Arg900= (NM_001411031.1); c.3567G>C, p.Arg1189= (NM_001437279.1); c.3102G>C, p.Arg1034= (NM_001437280.1); c.2937G>C, p.Arg979= (NM_001437281.1).
Identifiers: ClinVar variation 4083945 (VCV004083945.8).